The following is an entry in ClinVar:

ClinVar aggregate classification (germline): Uncertain significance (1 of 4 stars; one submission).

Conditions:
Inborn genetic diseases. Identifiers: MedGen C0950123, MeSH D030342.

gnomAD v4.1: 5 of 1,613,730 alleles (0.00031%); highest among the groups gnomAD compares: Non-Finnish European, 0.00034%; no homozygotes.

Submission:

Ambry Genetics
Classification: Uncertain significance for Inborn genetic diseases. Last evaluated: 2024-12-13. Review status: criteria provided, single submitter. Criteria: Ambry Variant Classification Scheme 2023. Collection method: clinical testing. Allele origin: germline.
Comment: The c.1031C>T (p.S344L) alteration is located in exon 6 (coding exon 6) of the AARS2 gene. This alteration results from a C to T substitution at nucleotide position 1031, causing the serine (S) at amino acid position 344 to be replaced by a leucine (L). Based on data from gnomAD, the T allele has an overall frequency of 0.002% (3/152040) total alleles studied. The highest observed frequency was 0.004% (3/67992) of European (non-Finnish) alleles. This amino acid position is well conserved in available vertebrate species. The in silico prediction for this alteration is inconclusive. Based on insufficient or conflicting evidence, the clinical significance of this alteration remains unclear.

NM_020745.4(AARS2):c.1031C>T (p.Ser344Leu)

Gene: AARS2 (alanyl-tRNA synthetase 2, mitochondrial; minus strand). Cytogenetic location: 6p21.1.
Variant type: single nucleotide variant.
Coding change: c.1031C>T on transcript NM_020745.4 (MANE Select); coding-DNA position 1031, C replaced by T.
Protein change: p.Ser344Leu; replaces serine 344 with leucine.
Molecular consequence: missense variant.
Genome position (GRCh38, 1-based): chr6:44,307,258, G>A on the plus strand (C>T on the coding strand, the complement: AARS2 is on the minus strand). VCF-style: chr6-44307258-G-A. GRCh37 (hg19) VCF-style: chr6-44274995-G-A.
Other names: short protein forms S344L.
Identifiers: ClinVar variation 3481939 (VCV003481939.2).